The following is an entry in ClinVar:

NM_001754.5(RUNX1):c.275C>T (p.Thr92Ile)

Gene: RUNX1 (RUNX family transcription factor 1; minus strand). Cytogenetic location: 21q22.12.
Variant type: single nucleotide variant.
Coding change: c.275C>T on transcript NM_001754.5 (MANE Select); coding-DNA position 275, C replaced by T.
Protein change: p.Thr92Ile; replaces threonine 92 with isoleucine.
Molecular consequence: missense variant.
Genome position (GRCh38, 1-based): chr21:34,886,919, G>A on the plus strand (C>T on the coding strand, the complement: RUNX1 is on the minus strand). VCF-style: chr21-34886919-G-A. GRCh37 (hg19) VCF-style: chr21-36259216-G-A.
Other names: NM_001754.5(RUNX1):c.275C>T; p.Thr92Ile; c.194C>T, p.Thr65Ile (NM_001001890.3, NM_001122607.2); short protein forms T65I, T92I.
Identifiers: ClinVar variation 2730661 (VCV002730661.4), dbSNP rs2146409707, ClinGen allele CA410203718.

ClinVar aggregate classification (germline): Uncertain significance. Review status: reviewed by expert panel (3 of 4 stars). 2 submissions from 2 submitters: Uncertain significance (1). 1 of the submissions does not count toward it. Last evaluated 2024-10-29.

Conditions:
Hereditary thrombocytopenia and hematological cancer predisposition syndrome associated with RUNX1. Also called: Familial Platelet Disorder with Propensity to Acute Myelogenous Leukemia; Familial thrombocytopenia with propensity to acute myelogenous leukemia; PLATELET DISORDER, ASPIRIN-LIKE; RUNX1 Familial Platelet Disorder with Associated Myeloid Malignancies. Identifiers: Orphanet 71290, MedGen C1832388, MeSH C563324, MONDO:0100083, OMIM 601399.
Hereditary thrombocytopenia and hematologic cancer predisposition syndrome. Identifiers: Orphanet 71290, MedGen CN281654, MONDO:0011071.

Submissions (2):

ClinGen Myeloid Malignancy Variant Curation Expert Panel
Classification: Uncertain significance for Hereditary thrombocytopenia and hematologic cancer predisposition syndrome. Last evaluated: 2024-10-29. Review status: reviewed by expert panel. Criteria: ClinGen MyeloMalig ACMG Specifications v2. Collection method: curation. Allele origin: germline. Inheritance: Autosomal dominant inheritance.
Comment: NM_001754.5(RUNX1):c.275C>T (p.Thr92Ile) is a missense variant which has a REVEL score ≥ 0.88 (0.973) (PP3). This variant is found within the runt homology domain but does not occur in an established hotspot residue (PM1_supporting). This variant is completely absent from all population databases with at least 20x coverage for RUNX1 (PM2_Supporting). In summary, the clinical significance of this variant is uncertain. ACMG/AMP criteria applied, as specified by the Myeloid Malignancy Variant Curation Expert Panel for RUNX1: PP3, PM1_supporting, PM2_supporting.

Labcorp Genetics (formerly Invitae), Labcorp
Classification: Uncertain significance for Hereditary thrombocytopenia and hematological cancer predisposition syndrome associated with RUNX1. Last evaluated: 2023-04-20. Review status: criteria provided, single submitter. Criteria: Invitae Variant Classification Sherloc (09022015). Collection method: clinical testing. Allele origin: germline. Not counted in ClinVar's aggregate classification.
Comment: This sequence change replaces threonine, which is neutral and polar, with isoleucine, which is neutral and non-polar, at codon 92 of the RUNX1 protein (p.Thr92Ile). In summary, the available evidence is currently insufficient to determine the role of this variant in disease. Therefore, it has been classified as a Variant of Uncertain Significance. Advanced modeling of protein sequence and biophysical properties (such as structural, functional, and spatial information, amino acid conservation, physicochemical variation, residue mobility, and thermodynamic stability) has been performed at Invitae for this missense variant, however the output from this modeling did not meet the statistical confidence thresholds required to predict the impact of this variant on RUNX1 protein function. This variant has not been reported in the literature in individuals affected with RUNX1-related conditions. This variant is not present in population databases (gnomAD no frequency).